The following is an entry in ClinVar:

NM_000348.4(SRD5A2):c.*981G>A

Gene: SRD5A2 (steroid 5 alpha-reductase 2; minus strand). Cytogenetic location: 2p23.1.
Variant type: single nucleotide variant.
Coding change: c.*981G>A on transcript NM_000348.4 (MANE Select); 981 bases downstream of the stop codon, G replaced by A.
Molecular consequence: 3 prime UTR variant.
Genome position (GRCh38, 1-based): chr2:31,525,215, C>T on the plus strand (G>A on the coding strand, the complement: SRD5A2 is on the minus strand). VCF-style: chr2-31525215-C-T. GRCh37 (hg19) VCF-style: chr2-31750285-C-T.
Other names: NC_000002.11:g.31750285C>T.
Identifiers: ClinVar variation 895786 (VCV000895786.5), dbSNP rs191186592, ClinGen allele CA45135871.

ClinVar aggregate classification (germline): Likely benign (1 of 4 stars; one submission).

Conditions:
3-Oxo-5 alpha-steroid delta 4-dehydrogenase deficiency (PPSH). Also called: 46,XY disorder of sex development due to 5-alpha-reductase 2 deficiency; PSEUDOVAGINAL PERINEOSCROTAL HYPOSPADIAS; FAMILIAL INCOMPLETE MALE PSEUDOHERMAPHRODITISM, TYPE 2; MALE PSEUDOHERMAPHRODITISM DUE TO 5-ALPHA-REDUCTASE DEFICIENCY. Identifiers: Orphanet 753, MedGen C0268297, MONDO:0009923, OMIM 264600. Disease mechanism: loss of function.

Allele frequency attached by ClinVar (database versions not stated): 1000 Genomes Project 0.00060; 1000 Genomes Project 30x 0.00062; TOPMed 0.00298; gnomAD 0.00414 and 0.00429; gnomAD exomes 0.00414.
gnomAD v4.1: 905 of 222,538 alleles (0.41%); highest among the groups gnomAD compares: Non-Finnish European, 0.58%; 2 homozygotes.

Submissions (3):

Illumina Laboratory Services, Illumina
Classification: Likely benign for 3-Oxo-5 alpha-steroid delta 4-dehydrogenase deficiency. Last evaluated: 2018-01-13. Review status: criteria provided, single submitter. Criteria: ICSL Variant Classification Criteria 13 December 2019. Collection method: clinical testing. Allele origin: germline.
Comment: This variant was observed in the ICSL laboratory as part of a predisposition screen in an ostensibly healthy population. It had not been previously curated by ICSL or reported in the Human Gene Mutation Database (HGMD: prior to June 1st, 2018), and was therefore a candidate for classification through an automated scoring system. Utilizing variant allele frequency, disease prevalence and penetrance estimates, and inheritance mode, an automated score was calculated to assess if this variant is too frequent to cause the disease. Based on the score and internal cut-off values, a variant classified as likely benign is not then subjected to further curation. The score for this variant resulted in a classification of likely benign for this disease.

Dr. Peter K. Rogan Lab, Western University
No classification provided (evidence only). Condition: Ovarian serous cystadenocarcinoma. Review status: no classification provided. Collection method: in vitro. Allele origin: not applicable. Functional consequence: retained intron. Not counted in ClinVar's aggregate classification.

Dr. Peter K. Rogan Lab, Western University
No classification provided (evidence only). Condition: Ovarian serous cystadenocarcinoma. Review status: no classification provided. Collection method: in vitro. Allele origin: not applicable. Functional consequence: retained intron. Not counted in ClinVar's aggregate classification.